The following is an entry in ClinVar:

ClinVar aggregate classification (germline): Uncertain significance. Review status: criteria provided, multiple submitters, no conflicts (2 of 4 stars). 3 submissions from 3 submitters: Uncertain significance (3). Last evaluated 2025-12-21.

Conditions:
FLNC-related disorder. Also called: FLNC-related condition; FLNC-related disorders.
Hypertrophic cardiomyopathy 26. Also called: Cardiomyopathy, familial hypertrophic, 26. Identifiers: Orphanet 75249, MedGen C4310749, MONDO:0014883, OMIM 617047.
Distal myopathy with posterior leg and anterior hand involvement. Also called: WILLIAMS DISTAL MYOPATHY. Identifiers: Orphanet 63273, MedGen C3279722, MONDO:0013550, OMIM 614065.
Myofibrillar myopathy 5. Also called: Filaminopathy (type); FILAMINOPATHY, AUTOSOMAL DOMINANT. Identifiers: Orphanet 171445, MedGen C1836050, MONDO:0012289, OMIM 609524.
Cardiovascular phenotype. Identifiers: MedGen CN230736.

Allele frequency attached by ClinVar (database versions not stated): gnomAD exomes below 0.00001 and 0.00001; ExAC 0.00001; TOPMed 0.00001; gnomAD 0.00002; ESP Exome Variant Server 0.00008.
gnomAD v4.1: 19 of 1,613,914 alleles (0.0012%); highest among the groups gnomAD compares: East Asian, 0.0067%; no homozygotes.

Submissions (3):

Labcorp Genetics (formerly Invitae), Labcorp
Classification: Uncertain significance for Distal myopathy with posterior leg and anterior hand involvement; Myofibrillar myopathy 5; Hypertrophic cardiomyopathy 26. Last evaluated: 2025-12-21. Review status: criteria provided, single submitter. Criteria: Invitae Variant Classification Sherloc (09022015). Collection method: clinical testing. Allele origin: germline.
Comment: This sequence change replaces arginine, which is basic and polar, with glutamine, which is neutral and polar, at codon 2553 of the FLNC protein (p.Arg2553Gln). This variant is present in population databases (rs375213102, gnomAD 0.0009%). This variant has not been reported in the literature in individuals affected with FLNC-related conditions. ClinVar contains an entry for this variant (Variation ID: 572053). Invitae Evidence Modeling of protein sequence and biophysical properties (such as structural, functional, and spatial information, amino acid conservation, physicochemical variation, residue mobility, and thermodynamic stability) indicates that this missense variant is not expected to disrupt FLNC protein function with a negative predictive value of 95%. In summary, the available evidence is currently insufficient to determine the role of this variant in disease. Therefore, it has been classified as a Variant of Uncertain Significance.

Ambry Genetics
Classification: Uncertain significance for Cardiovascular phenotype. Last evaluated: 2025-12-08. Review status: criteria provided, single submitter. Criteria: Ambry Variant Classification Scheme 2023. Collection method: clinical testing. Allele origin: germline.

PreventionGenetics, part of Exact Sciences
Classification: Uncertain significance for FLNC-related condition. Last evaluated: 2025-06-10. Review status: criteria provided, single submitter. Criteria: ACMG Guidelines, 2015. Collection method: clinical testing. Allele origin: germline.
Comment: The FLNC c.7658G>A variant is predicted to result in the amino acid substitution p.Arg2553Gln. To our knowledge, this variant has not been reported in the literature. This variant is reported in 0.00089% of alleles in individuals of European (Non-Finnish) descent in gnomAD. At this time, the clinical significance of this variant is uncertain due to the absence of conclusive functional and genetic evidence.

NM_001458.5(FLNC):c.7658G>A (p.Arg2553Gln)

Genes: FLNC (filamin C; plus strand), FLNC-AS1 (FLNC antisense RNA 1; minus strand). Cytogenetic location: 7q32.1.
Variant type: single nucleotide variant.
Coding change: c.7658G>A on transcript NM_001458.5 (MANE Select); coding-DNA position 7658, G replaced by A.
Protein change: p.Arg2553Gln; replaces arginine 2553 with glutamine.
Molecular consequence: missense variant.
Genome position (GRCh38, 1-based): chr7:128,857,214, G>A. VCF-style: chr7-128857214-G-A. GRCh37 (hg19) VCF-style: chr7-128497268-G-A.
Other names: c.7559G>A, p.Arg2520Gln (NM_001127487.2); short protein forms R2553Q, R2520Q.
Identifiers: ClinVar variation 572053 (VCV000572053.16), dbSNP rs375213102, ClinGen allele CA4476334.